The following is an entry in ClinVar:

NM_007325.5(GRIA3):c.2001T>A (p.Ser667Arg)

Gene: GRIA3 (glutamate ionotropic receptor AMPA type subunit 3; plus strand). Cytogenetic location: Xq25.
Variant type: single nucleotide variant.
Coding change: c.2001T>A on transcript NM_007325.5 (MANE Select); coding-DNA position 2001, T replaced by A.
Protein change: p.Ser667Arg; replaces serine 667 with arginine.
Molecular consequence: missense variant.
Genome position (GRCh38, 1-based): chrX:123,428,064, T>A. VCF-style: chrX-123428064-T-A. GRCh37 (hg19) VCF-style: chrX-122561915-T-A.
Other names: c.2001T>A, p.Ser667Arg (NM_000828.5); short protein forms S667R.
Identifiers: ClinVar variation 4743586 (VCV004743586.1).

ClinVar aggregate classification (germline): Uncertain significance (1 of 4 stars; one submission).

Submission:

Labcorp Genetics (formerly Invitae), Labcorp
Classification: Uncertain significance. Last evaluated: 2025-06-18. Review status: criteria provided, single submitter. Criteria: Invitae Variant Classification Sherloc (09022015). Collection method: clinical testing. Allele origin: germline.
Comment: This sequence change replaces serine, which is neutral and polar, with arginine, which is basic and polar, at codon 667 of the GRIA3 protein (p.Ser667Arg). This variant is not present in population databases (gnomAD no frequency). This variant has not been reported in the literature in individuals affected with GRIA3-related conditions. Invitae Evidence Modeling of protein sequence and biophysical properties (such as structural, functional, and spatial information, amino acid conservation, physicochemical variation, residue mobility, and thermodynamic stability) indicates that this missense variant is expected to disrupt GRIA3 protein function with a positive predictive value of 80%. In summary, the available evidence is currently insufficient to determine the role of this variant in disease. Therefore, it has been classified as a Variant of Uncertain Significance.